The following is an entry in ClinVar:

ClinVar aggregate classification (germline): Uncertain significance (1 of 4 stars; one submission).

Conditions:
Dyskeratosis congenita. Identifiers: Orphanet 1775, MedGen C0265965, MONDO:0015780.

Allele frequency attached by ClinVar (database versions not stated): gnomAD exomes below 0.00001; TOPMed below 0.00001; gnomAD 0.00001.

Submission:

Labcorp Genetics (formerly Invitae), Labcorp
Classification: Uncertain significance for Dyskeratosis congenita. Last evaluated: 2022-04-29. Review status: criteria provided, single submitter. Criteria: Invitae Variant Classification Sherloc (09022015). Collection method: clinical testing. Allele origin: germline.
Comment: In summary, the available evidence is currently insufficient to determine the role of this variant in disease. Therefore, it has been classified as a Variant of Uncertain Significance. Algorithms developed to predict the effect of missense changes on protein structure and function are either unavailable or do not agree on the potential impact of this missense change (SIFT: "Deleterious"; PolyPhen-2: "Probably Damaging"; Align-GVGD: "Class C0"). This variant has not been reported in the literature in individuals affected with CTC1-related conditions. This variant is not present in population databases (gnomAD no frequency). This sequence change replaces proline, which is neutral and non-polar, with leucine, which is neutral and non-polar, at codon 569 of the CTC1 protein (p.Pro569Leu).

NM_025099.6(CTC1):c.1706C>T (p.Pro569Leu)

Gene: CTC1 (CST telomere replication complex component 1; minus strand). Cytogenetic location: 17p13.1.
Variant type: single nucleotide variant.
Coding change: c.1706C>T on transcript NM_025099.6 (MANE Select); coding-DNA position 1706, C replaced by T.
Protein change: p.Pro569Leu; replaces proline 569 with leucine.
Molecular consequence: missense variant. On other transcripts: non-coding transcript variant (1).
Genome position (GRCh38, 1-based): chr17:8,234,567, G>A on the plus strand (C>T on the coding strand, the complement: CTC1 is on the minus strand). VCF-style: chr17-8234567-G-A. GRCh37 (hg19) VCF-style: chr17-8137885-G-A.
Other names: c.1706C>T, p.Pro569Leu (NM_001411067.1); short protein forms P569L.
Identifiers: ClinVar variation 1940473 (VCV001940473.5), dbSNP rs1330722318, ClinGen allele CA397982991.